The following is an entry in ClinVar:

NM_004560.4(ROR2):c.2088C>T (p.Tyr696=)

Gene: ROR2 (ROR family WNT receptor 2; minus strand). Cytogenetic location: 9q22.31.
Variant type: single nucleotide variant.
Coding change: c.2088C>T on transcript NM_004560.4 (MANE Select); coding-DNA position 2088, C replaced by T.
Protein change: p.Tyr696=; no amino-acid change (tyrosine 696 retained).
Molecular consequence: synonymous variant.
Genome position (GRCh38, 1-based): chr9:91,724,406, G>A on the plus strand (C>T on the coding strand, the complement: ROR2 is on the minus strand). VCF-style: chr9-91724406-G-A. GRCh37 (hg19) VCF-style: chr9-94486688-G-A.
Identifiers: ClinVar variation 159815 (VCV000159815.27), dbSNP rs10992063, ClinGen allele CA173322.

ClinVar aggregate classification (germline): Benign. Review status: criteria provided, multiple submitters, no conflicts (2 of 4 stars). 9 submissions from 8 submitters: Benign (9). Last evaluated 2026-02-04.

Conditions:
Brachydactyly type B1 (BDB1). Identifiers: Orphanet 572385, Orphanet 93383, MedGen C1862112, MONDO:0007220, OMIM 113000.
Autosomal recessive Robinow syndrome (RRS1). Also called: ROR2-Related Robinow Syndrome; COSTOVERTEBRAL SEGMENTATION DEFECT WITH MESOMELIA; COVESDEM SYNDROME; ROBINOW SYNDROME, AUTOSOMAL RECESSIVE 1. Identifiers: Orphanet 1507, Orphanet 97360, MedGen C5399974, MONDO:0009999, OMIM 268310.

Allele frequency attached by ClinVar (database versions not stated): 1000 Genomes Project 0.41534; 1000 Genomes Project 30x 0.41911; ExAC 0.42678; ESP Exome Variant Server 0.43265; gnomAD exomes 0.43315 and 0.43480; gnomAD 0.43825 and 0.44353; TOPMed 0.44433.
gnomAD v4.1: 701,238 of 1,613,784 alleles (43%); highest among the groups gnomAD compares: Admixed American, 54%; 154,233 homozygotes.

Submissions (9):

Labcorp Genetics (formerly Invitae), Labcorp
Classification: Benign. Last evaluated: 2026-02-04. Review status: criteria provided, single submitter. Criteria: Invitae Variant Classification Sherloc (09022015). Collection method: clinical testing. Allele origin: germline.

Blueprint Genetics
Classification: Benign. Last evaluated: 2024-11-27. Review status: criteria provided, single submitter. Criteria: ACMG Guidelines, 2015. Collection method: clinical testing. Allele origin: germline.

GeneDx
Classification: Benign. Last evaluated: 2018-10-16. Review status: criteria provided, single submitter. Criteria: GeneDx Variant Classification Process June 2021. Collection method: clinical testing. Allele origin: germline. Affected: yes.

Illumina Laboratory Services, Illumina
Classification: Benign for Autosomal recessive Robinow syndrome. Last evaluated: 2018-01-13. Review status: criteria provided, single submitter. Criteria: ICSL Variant Classification Criteria 13 December 2019. Collection method: clinical testing. Allele origin: germline.
Comment: This variant was observed in the ICSL laboratory as part of a predisposition screen in an ostensibly healthy population. It had not been previously curated by ICSL or reported in the Human Gene Mutation Database (HGMD: prior to June 1st, 2018), and was therefore a candidate for classification through an automated scoring system. Utilizing variant allele frequency, disease prevalence and penetrance estimates, and inheritance mode, an automated score was calculated to assess if this variant is too frequent to cause the disease. Based on the score and internal cut-off values, a variant classified as benign is not then subjected to further curation. The score for this variant resulted in a classification of benign for this disease.

Illumina Laboratory Services, Illumina
Classification: Benign for Brachydactyly type B1. Last evaluated: 2018-01-13. Review status: criteria provided, single submitter. Criteria: ICSL Variant Classification Criteria 13 December 2019. Collection method: clinical testing. Allele origin: germline.
Comment: the same text as in the submission from Illumina Laboratory Services, Illumina above.

Eurofins Ntd Llc (ga)
Classification: Benign. Last evaluated: 2015-12-14. Review status: criteria provided, single submitter. Criteria: EGL Classification Definitions 2015. Collection method: clinical testing. Allele origin: germline. Observed: 7 variant alleles, 6 heterozygotes, 1 homozygote.

Genetic Services Laboratory, University of Chicago
Classification: Benign. Last evaluated: 2013-02-08. Review status: criteria provided, single submitter. Criteria: ACMG Guidelines, 2007. Collection method: clinical testing. Allele origin: germline. Inheritance: Autosomal recessive inheritance.

Breakthrough Genomics
Classification: Benign. Review status: criteria provided, single submitter. Criteria: ACMG Guidelines, 2015. Collection method: not provided. Allele origin: germline. Inheritance: Autosomal recessive inheritance. Affected: yes.

PreventionGenetics, part of Exact Sciences
Classification: Benign. Review status: criteria provided, single submitter. Criteria: ACMG Guidelines, 2015. Collection method: clinical testing. Allele origin: germline.